The following is an entry in ClinVar:

NM_001165963.4(SCN1A):c.3526_3530delinsTCTTCAGGTTCTGA (p.Glu1176_Pro1177delinsSerSerGlySerGlu)

Genes: SCN1A (sodium voltage-gated channel alpha subunit 1; minus strand), LOC102724058 (uncharacterized LOC102724058; plus strand). Cytogenetic location: 2q24.3.
Variant type: Indel.
Coding change: c.3526_3530delinsTCTTCAGGTTCTGA on transcript NM_001165963.4 (MANE Select); coding-DNA positions 3526 to 3530, GAACC replaced by TCTTCAGGTTCTGA.
Protein change: p.Glu1176_Pro1177delinsSerSerGlySerGlu.
Molecular consequence: inframe indel. On other transcripts: non-coding transcript variant (2).
Genome position (GRCh38, 1-based): chr2:166,015,627-166,015,631, GGTTC replaced by TCAGAACCTGAAGA on the plus strand (GAACC replaced by TCTTCAGGTTCTGA on the coding strand, the reverse complement: SCN1A is on the minus strand). VCF-style: chr2-166015627-GGTTC-TCAGAACCTGAAGA. GRCh37 (hg19) VCF-style: chr2-166872137-GGTTC-TCAGAACCTGAAGA.
Other names: c.3442_3446delinsTCTTCAGGTTCTGA, p.Glu1148_Pro1149delinsSerSerGlySerGlu (NM_001165964.3, NM_001353957.2, NM_001353958.2); c.3526_3530delinsTCTTCAGGTTCTGA, p.Glu1176_Pro1177delinsSerSerGlySerGlu (NM_001202435.3, NM_001353948.2); c.3493_3497delinsTCTTCAGGTTCTGA, p.Glu1165_Pro1166delinsSerSerGlySerGlu (NM_001353949.2, NM_001353950.2, NM_001353951.2 and 2 more transcripts); c.3490_3494delinsTCTTCAGGTTCTGA, p.Glu1164_Pro1165delinsSerSerGlySerGlu (NM_001353954.2, NM_001353955.2); c.3439_3443delinsTCTTCAGGTTCTGA, p.Glu1147_Pro1148delinsSerSerGlySerGlu (NM_001353960.2); c.1084_1088delinsTCTTCAGGTTCTGA, p.Glu362_Pro363delinsSerSerGlySerGlu (NM_001353961.2).
Identifiers: ClinVar variation 2042278 (VCV002042278.4), dbSNP rs2468548438, ClinGen allele CA2580064352.

ClinVar aggregate classification (germline): Likely pathogenic (1 of 4 stars; one submission).

Conditions:
Early-infantile DEE. Also called: Early infantile epileptic encephalopathy; Ohtahara syndrome; Early infantile epileptic encephalopathy with suppression bursts. Identifiers: Orphanet 1934, MedGen C0393706, MONDO:0800491.

Submission:

Labcorp Genetics (formerly Invitae), Labcorp
Classification: Likely pathogenic for Early-infantile DEE. Last evaluated: 2021-12-13. Review status: criteria provided, single submitter. Criteria: Invitae Variant Classification Sherloc (09022015). Collection method: clinical testing. Allele origin: germline.
Comment: In summary, the currently available evidence indicates that the variant is pathogenic, but additional data are needed to prove that conclusively. Therefore, this variant has been classified as Likely Pathogenic. Algorithms developed to predict the effect of sequence changes on RNA splicing suggest that this variant may create or strengthen a splice site. This variant has been observed in individual(s) with clinical features of SCN1A-related conditions (Invitae). In at least one individual the variant was observed to be de novo. This variant is not present in population databases (gnomAD no frequency). This variant, c.3526_3530delinsTCTTCAGGTTCTGA, is a complex sequence change that results in the deletion of 2 and insertion of 5 amino acid(s) in the SCN1A protein (p.Glu1176_Pro1177delinsSerSerGlySerGlu).